The following is an entry in ClinVar:

NM_015158.5(KANK1):c.2351C>G (p.Pro784Arg)

Gene: KANK1 (KN motif and ankyrin repeat domains 1; plus strand). Cytogenetic location: 9p24.3.
Variant type: single nucleotide variant.
Coding change: c.2351C>G on transcript NM_015158.5 (MANE Select); coding-DNA position 2351, C replaced by G.
Protein change: p.Pro784Arg; replaces proline 784 with arginine.
Molecular consequence: missense variant. On other transcripts: non-coding transcript variant (1).
Genome position (GRCh38, 1-based): chr9:713,117, C>G. VCF-style: chr9-713117-C-G. GRCh37 (hg19) VCF-style: chr9-713117-C-G.
Other names: c.2351C>G, p.Pro784Arg (NM_001256876.3, NM_001256877.3, NM_001354331.2 and 2 more transcripts); c.1877C>G, p.Pro626Arg (NM_001354333.2, NM_001354335.2, NM_001354336.2 and 9 more transcripts); short protein forms P626R, P784R.
Identifiers: ClinVar variation 3891434 (VCV003891434.2).
Genomic context (GRCh38, chr9:713,117, plus strand): 5'-TAAATATTAACGACAACTATCTGGTTGGTCTCAAAATGAGGACTATAGCTTGTGGGCCAC[C>G]ACAGTTGACTGTGGGGCTGACAGCCAGCAGAAGGAGCGTGGGGGTTGGGGATGACCCTGT-3'
Protein context (NP_055973.2, residues 774-794): LKMRTIACGP[Pro784Arg]QLTVGLTASR

ClinVar aggregate classification (germline): Uncertain significance. Review status: criteria provided, multiple submitters, no conflicts (2 of 4 stars). 2 submissions from 2 submitters: Uncertain significance (2). Last evaluated 2026-01-26.

Conditions:
Cerebral palsy, spastic quadriplegic, 2 (CPSQ2). Identifiers: Orphanet 210141, MedGen C2752061, MONDO:0013033, OMIM 612900.

gnomAD v4.1: 4 of 1,604,750 alleles (0.00025%); highest among the groups gnomAD compares: Middle Eastern, 0.017%; no homozygotes.

Submissions (2):

Labcorp Genetics (formerly Invitae), Labcorp
Classification: Uncertain significance. Last evaluated: 2026-01-26. Review status: criteria provided, single submitter. Criteria: Invitae Variant Classification Sherloc (09022015). Collection method: clinical testing. Allele origin: germline.
Comment: This sequence change replaces proline, which is neutral and non-polar, with arginine, which is basic and polar, at codon 784 of the KANK1 protein (p.Pro784Arg). This variant is present in population databases (rs763208464, gnomAD 0.0009%). This variant has not been reported in the literature in individuals affected with KANK1-related conditions. ClinVar contains an entry for this variant (Variation ID: 3891434). Invitae Evidence Modeling of protein sequence and biophysical properties (such as structural, functional, and spatial information, amino acid conservation, physicochemical variation, residue mobility, and thermodynamic stability) has been performed for this missense variant. However, the output from this modeling did not meet the statistical confidence thresholds required to predict the impact of this variant on KANK1 protein function. In summary, the available evidence is currently insufficient to determine the role of this variant in disease. Therefore, it has been classified as a Variant of Uncertain Significance.

Department of Pathology and Laboratory Medicine, Sinai Health System
Classification: Uncertain significance for Cerebral palsy, spastic quadriplegic, 2. Last evaluated: 2021-07-30. Review status: criteria provided, single submitter. Criteria: ACMG Guidelines, 2015. Collection method: research. Allele origin: germline.